The following is an entry in ClinVar:

ClinVar aggregate classification (germline): Pathogenic (1 of 4 stars; one submission).

Conditions:
Peutz-Jeghers syndrome (PJS). Also called: POLYPOSIS, HAMARTOMATOUS INTESTINAL; POLYPS-AND-SPOTS SYNDROME; Peutz-Jeghers polyposis; Periorificial lentiginosis syndrome. Identifiers: Orphanet 2869, MedGen C0031269, MeSH D010580, MONDO:0008280, OMIM 175200.

Submission:

Labcorp Genetics (formerly Invitae), Labcorp
Classification: Pathogenic for Peutz-Jeghers syndrome. Last evaluated: 2025-05-13. Review status: criteria provided, single submitter. Criteria: Invitae Variant Classification Sherloc (09022015). Collection method: clinical testing. Allele origin: germline.
Comment: This sequence change creates a premature translational stop signal (p.Gly188Valfs*100) in the STK11 gene. It is expected to result in an absent or disrupted protein product. Loss-of-function variants in STK11 are known to be pathogenic (PMID: 15188174, 16287113). This variant is not present in population databases (gnomAD no frequency). This variant has not been reported in the literature in individuals affected with STK11-related conditions. For these reasons, this variant has been classified as Pathogenic.

Literature cited by the submitters: PubMed 15188174; PubMed 16287113.

NM_000455.5(STK11):c.561_562dup (p.Gly188fs)

Gene: STK11 (serine/threonine kinase 11; plus strand). Cytogenetic location: 19p13.3.
Variant type: Duplication.
Coding change: c.561_562dup on transcript NM_000455.5 (MANE Select); coding-DNA positions 561 to 562, 2 bases duplicated (TG; older notation c.561_562dupTG).
Protein change: p.Gly188fs; shifts the reading frame from glycine 188.
Molecular consequence: frameshift variant. On other transcripts: non-coding transcript variant (1).
Genome position (GRCh38, 1-based): chr19:1,220,469-1,220,470, TG duplicated; duplicating any 2 consecutive bases within chr19:1,220,468-1,220,470 gives the same sequence; the c. name uses the placement nearest the transcript's 3' end. VCF-style (leftmost placement, unchanged base first): chr19-1220467-G-GGT. GRCh37 (hg19) VCF-style: chr19-1220466-G-GGT.
Other names: c.561_562dup, p.Gly188fs (NM_001407255.1); short protein forms G188fs.
Identifiers: ClinVar variation 4719452 (VCV004719452.1).
Genomic context (GRCh38, chr19:1,220,467, plus strand): 5'-CTGCATAGCCAGGGCATTGTGCACAAGGACATCAAGCCGGGGAACCTGCTGCTCACCACC[G>GGT]GTGGCACCCTCAAAATCTCCGACCTGGGCGTGGCCGAGGTAGGCACGTGCTAGGGGGGGC-3'